The following is an entry in ClinVar:

ClinVar aggregate classification (germline): Uncertain significance. Review status: criteria provided, multiple submitters, no conflicts (2 of 4 stars). 2 submissions from 2 submitters: Uncertain significance (2). Last evaluated 2023-12-27.

Conditions:
Meier-Gorlin syndrome 8. Identifiers: MedGen C4479655, MONDO:0033046, OMIM 617564.

Allele frequency attached by ClinVar (database versions not stated): gnomAD exomes 0.00001; TOPMed 0.00001; ExAC 0.00003; ESP Exome Variant Server 0.00008.
gnomAD v4.1: 13 of 1,613,686 alleles (0.00081%); highest among the groups gnomAD compares: East Asian, 0.0067%; no homozygotes.

Submissions (2):

Ambry Genetics
Classification: Uncertain significance. Last evaluated: 2023-12-27. Review status: criteria provided, single submitter. Criteria: Ambry Variant Classification Scheme 2023. Collection method: clinical testing. Allele origin: germline.

Juno Genomics, Hangzhou Juno Genomics, Inc
Classification: Uncertain significance for Meier-Gorlin syndrome 8. Review status: criteria provided, single submitter. Criteria: ACMG Guidelines, 2015. Collection method: clinical testing. Allele origin: germline.
Comment: Absent from controls (or at extremely low frequency if recessive) in Genome Aggregation Database.;Multiple lines of computational evidence support a deleterious effect on the gene or gene product.

NM_006739.4(MCM5):c.412C>T (p.Arg138Cys)

Gene: MCM5 (minichromosome maintenance complex component 5; plus strand). Cytogenetic location: 22q12.3.
Variant type: single nucleotide variant.
Coding change: c.412C>T on transcript NM_006739.4 (MANE Select); coding-DNA position 412, C replaced by T.
Protein change: p.Arg138Cys; replaces arginine 138 with cysteine.
Molecular consequence: missense variant.
Genome position (GRCh38, 1-based): chr22:35,403,531, C>T. VCF-style: chr22-35403531-C-T. GRCh37 (hg19) VCF-style: chr22-35799524-C-T.
Other names: short protein forms R138C.
Identifiers: ClinVar variation 3124364 (VCV003124364.3), dbSNP rs377540474, ClinGen allele CA10205017.